The following is an entry in ClinVar:

ClinVar aggregate classification (germline): Uncertain significance (1 of 4 stars; one submission).

Conditions:
Tatton-Brown-Rahman overgrowth syndrome. Also called: Tatton-Brown-Rahman syndrome; Tall stature-intellectual disability-facial dysmorphism syndrome. Identifiers: Orphanet 404443, MedGen C4014545, MONDO:0014382, OMIM 615879.

Allele frequency attached by ClinVar (database versions not stated): gnomAD 0.00001; gnomAD exomes 0.00001; TOPMed 0.00002; ExAC 0.00005.
gnomAD v4.1: 17 of 1,613,610 alleles (0.0011%); highest among the groups gnomAD compares: Non-Finnish European, 0.0013%; no homozygotes.

Submission:

Labcorp Genetics (formerly Invitae), Labcorp
Classification: Uncertain significance for Tatton-Brown-Rahman overgrowth syndrome. Last evaluated: 2022-10-25. Review status: criteria provided, single submitter. Criteria: Invitae Variant Classification Sherloc (09022015). Collection method: clinical testing. Allele origin: germline.
Comment: This missense change has been observed in individual(s) with clinical features of Tatton-Brown-Rahman syndrome (PMID: 29900417). In at least one individual the variant was observed to be de novo. In summary, the available evidence is currently insufficient to determine the role of this variant in disease. Therefore, it has been classified as a Variant of Uncertain Significance. Advanced modeling of protein sequence and biophysical properties (such as structural, functional, and spatial information, amino acid conservation, physicochemical variation, residue mobility, and thermodynamic stability) performed at Invitae indicates that this missense variant is not expected to disrupt DNMT3A protein function. This variant is present in population databases (rs775677376, gnomAD 0.006%). This sequence change replaces proline, which is neutral and non-polar, with leucine, which is neutral and non-polar, at codon 385 of the DNMT3A protein (p.Pro385Leu).

Literature cited by the submitters: PubMed 29900417.

NM_022552.5(DNMT3A):c.1154C>T (p.Pro385Leu)

Gene: DNMT3A (DNA methyltransferase 3 alpha; minus strand). Cytogenetic location: 2p23.3.
Variant type: single nucleotide variant.
Coding change: c.1154C>T on transcript NM_022552.5 (MANE Select); coding-DNA position 1154, C replaced by T.
Protein change: p.Pro385Leu; replaces proline 385 with leucine.
Molecular consequence: missense variant. On other transcripts: non-coding transcript variant (1).
Genome position (GRCh38, 1-based): chr2:25,246,745, G>A on the plus strand (C>T on the coding strand, the complement: DNMT3A is on the minus strand). VCF-style: chr2-25246745-G-A. GRCh37 (hg19) VCF-style: chr2-25469614-G-A.
Other names: c.698C>T, p.Pro233Leu (NM_001320893.1); c.485C>T, p.Pro162Leu (NM_001375819.1); c.587C>T, p.Pro196Leu (NM_153759.3); c.1154C>T, p.Pro385Leu (NM_175629.2); short protein forms P385L, P233L, P162L, P196L.
Identifiers: ClinVar variation 2889934 (VCV002889934.3), dbSNP rs775677376, ClinGen allele CA1556119.